The following is an entry in ClinVar:

NM_001001548.3(CD36):c.1298A>C (p.Gln433Pro)

Gene: CD36 (CD36 molecule (CD36 blood group); plus strand). Cytogenetic location: 7q21.11.
Variant type: single nucleotide variant.
Coding change: c.1298A>C on transcript NM_001001548.3 (MANE Select); coding-DNA position 1298, A replaced by C.
Protein change: p.Gln433Pro; replaces glutamine 433 with proline.
Molecular consequence: missense variant. On other transcripts: non-coding transcript variant (1).
Genome position (GRCh38, 1-based): chr7:80,674,026, A>C. VCF-style: chr7-80674026-A-C. GRCh37 (hg19) VCF-style: chr7-80303342-A-C.
Other names: c.1298A>C, p.Gln433Pro (NM_000072.3, NM_001001547.3, NM_001127443.2 and 5 more transcripts); c.1181A>C, p.Gln394Pro (NM_001289908.1); c.1118A>C, p.Gln373Pro (NM_001289909.1); c.1070A>C, p.Gln357Pro (NM_001289911.2); c.1196A>C, p.Gln399Pro (NM_001371079.1); c.833A>C, p.Gln278Pro (NM_001371080.1, NM_001371081.1); short protein forms Q278P, Q357P, Q373P, Q394P, Q399P, Q433P.
Identifiers: ClinVar variation 3389531 (VCV003389531.14).

ClinVar aggregate classification (germline): Uncertain significance (1 of 4 stars; one submission).

gnomAD v4.1: 1 of 1,612,388 alleles (0.000062%); highest among the groups gnomAD compares: Non-Finnish European, 0.000085%; no homozygotes.

Submission:

CeGaT Center for Human Genetics Tuebingen
Classification: Uncertain significance. Last evaluated: 2024-09-01. Review status: criteria provided, single submitter. Criteria: CeGaT Center For Human Genetics Tuebingen Variant Classification Criteria Version 2. Collection method: clinical testing. Allele origin: germline. Affected: yes. Observed: 1 variant allele.
Comment: CD36: PM2, BP4